The following is an entry in ClinVar:

NM_000264.5(PTCH1):c.672C>A (p.Tyr224Ter)

Gene: PTCH1 (patched 1; minus strand). Cytogenetic location: 9q22.32.
Variant type: single nucleotide variant.
Coding change: c.672C>A on transcript NM_000264.5 (MANE Select); coding-DNA position 672, C replaced by A.
Protein change: p.Tyr224Ter; replaces tyrosine 224 with a stop codon.
Molecular consequence: nonsense. On other transcripts: non-coding transcript variant (1).
Genome position (GRCh38, 1-based): chr9:95,482,023, G>T on the plus strand (C>A on the coding strand, the complement: PTCH1 is on the minus strand). VCF-style: chr9-95482023-G-T. GRCh37 (hg19) VCF-style: chr9-98244305-G-T.
Other names: c.669C>A, p.Tyr223Ter (NM_001083603.3); c.219C>A, p.Tyr73Ter (NM_001083604.3, NM_001083605.3, NM_001083606.3 and 1 more transcripts); c.672C>A, p.Tyr224Ter (NM_001354918.2); c.474C>A, p.Tyr158Ter (NM_001354919.2, NM_001083602.3); short protein forms Y158*, Y224*, Y223*, Y73*.
Identifiers: ClinVar variation 966620 (VCV000966620.10), dbSNP rs1588614178, ClinGen allele CA374114955.

ClinVar aggregate classification (germline): Pathogenic. Review status: criteria provided, multiple submitters, no conflicts (2 of 4 stars). 2 submissions from 2 submitters: Pathogenic (2). Last evaluated 2023-08-24.

Conditions:
Hereditary cancer-predisposing syndrome. Also called: Hereditary neoplastic syndrome; Hereditary Cancer Syndrome; Tumor predisposition; Neoplastic Syndromes, Hereditary. Identifiers: Orphanet 140162, MedGen C0027672, MeSH D009386, MONDO:0015356.
Gorlin syndrome. Also called: Nevoid Basal Cell Carcinoma Syndrome; Basal cell nevus syndrome. Identifiers: Orphanet 377, MedGen C0004779, MONDO:0007187.

Submissions (2):

Labcorp Genetics (formerly Invitae), Labcorp
Classification: Pathogenic for Gorlin syndrome. Last evaluated: 2023-08-24. Review status: criteria provided, single submitter. Criteria: Invitae Variant Classification Sherloc (09022015). Collection method: clinical testing. Allele origin: germline.
Comment: This sequence change creates a premature translational stop signal (p.Tyr224*) in the PTCH1 gene. It is expected to result in an absent or disrupted protein product. Loss-of-function variants in PTCH1 are known to be pathogenic (PMID: 16301862, 16419085). This variant is not present in population databases (gnomAD no frequency). This premature translational stop signal has been observed in individual(s) with Gorlin syndrome (PMID: 12925203). ClinVar contains an entry for this variant (Variation ID: 966620). For these reasons, this variant has been classified as Pathogenic.

Ambry Genetics
Classification: Pathogenic for Hereditary cancer-predisposing syndrome. Last evaluated: 2022-03-31. Review status: criteria provided, single submitter. Criteria: Ambry Variant Classification Scheme 2023. Collection method: clinical testing. Allele origin: germline.
Comment: The p.Y224* pathogenic mutation (also known as c.672C>A), located in coding exon 5 of the PTCH1 gene, results from a C to A substitution at nucleotide position 672. This changes the amino acid from a tyrosine to a stop codon within coding exon 5. This variant is considered to be rare based on population cohorts in the Genome Aggregation Database (gnomAD). In addition to the clinical data presented in the literature, this alteration is expected to result in loss of function by premature protein truncation or nonsense-mediated mRNA decay. As such, this alteration is interpreted as a disease-causing mutation.

Literature cited by the submitters: PubMed 16301862 (cited by Labcorp Genetics (formerly Invitae), Labcorp); PubMed 16419085 (cited by Labcorp Genetics (formerly Invitae), Labcorp); PubMed 12925203 (cited by Labcorp Genetics (formerly Invitae), Labcorp).